The following is an entry in ClinVar:

ClinVar aggregate classification (germline): Likely benign. Review status: criteria provided, single submitter (1 of 4 stars). 2 submissions from 2 submitters: Likely benign (1). 1 of the submissions does not count toward it. Last evaluated 2026-02-01.

Conditions:
KAT8-related disorder. Also called: KAT8-related condition.

Allele frequency attached by ClinVar (database versions not stated): 1000 Genomes Project 30x 0.00031; 1000 Genomes Project 0.00040; TOPMed 0.00089; ESP Exome Variant Server 0.00093; gnomAD 0.00095; ExAC 0.00114.
gnomAD v4.1: 2,025 of 1,597,646 alleles (0.13%); highest among the groups gnomAD compares: Non-Finnish European, 0.16%; 3 homozygotes.

Submissions (2):

CeGaT Center for Human Genetics Tuebingen
Classification: Likely benign. Last evaluated: 2026-02-01. Review status: criteria provided, single submitter. Criteria: CeGaT Center For Human Genetics Tuebingen Variant Classification Criteria Version 2. Collection method: clinical testing. Allele origin: germline. Affected: yes. Observed: 1 variant allele.
Comment: KAT8: BP4, BS1

PreventionGenetics, part of Exact Sciences
Classification: Likely benign for KAT8-related condition. Last evaluated: 2021-09-30. Review status: no assertion criteria provided. Collection method: clinical testing. Allele origin: germline. Not counted in ClinVar's aggregate classification.
Comment: This variant is classified as likely benign based on ACMG/AMP sequence variant interpretation guidelines (Richards et al. 2015 PMID: 25741868, with internal and published modifications).

NM_032188.3(KAT8):c.1312+25G>A

Gene: KAT8 (lysine acetyltransferase 8; plus strand). Cytogenetic location: 16p11.2.
Variant type: single nucleotide variant.
Coding change: c.1312+25G>A on transcript NM_032188.3 (MANE Select); 25 bases into the intron after coding-DNA position 1312, G replaced by A.
Molecular consequence: intron variant. On other transcripts: missense variant (1).
Genome position (GRCh38, 1-based): chr16:31,130,925, G>A. VCF-style: chr16-31130925-G-A. GRCh37 (hg19) VCF-style: chr16-31142246-G-A.
Other names: c.1337G>A, p.Arg446Gln (NM_182958.4); short protein forms R446Q.
Identifiers: ClinVar variation 3045726 (VCV003045726.6), dbSNP rs185459113, ClinGen allele CA8022183.